The following is an entry in ClinVar:

NM_001987.5(ETV6):c.65G>T (p.Ser22Ile)

Gene: ETV6 (ETS variant transcription factor 6; plus strand). Cytogenetic location: 12p13.2.
Variant type: single nucleotide variant.
Coding change: c.65G>T on transcript NM_001987.5 (MANE Select); coding-DNA position 65, G replaced by T.
Protein change: p.Ser22Ile; replaces serine 22 with isoleucine.
Molecular consequence: missense variant. On other transcripts: intron variant (1).
Genome position (GRCh38, 1-based): chr12:11,752,481, G>T. VCF-style: chr12-11752481-G-T. GRCh37 (hg19) VCF-style: chr12-11905415-G-T.
Other names: c.62G>T, p.Ser21Ile (NM_001413913.1); c.38G>T, p.Ser13Ile (NM_001413914.1); c.65G>T, p.Ser22Ile (NM_001413916.1, NM_001413917.1, NM_001413918.1); c.-101-86659G>T (NM_001413915.1); short protein forms S13I, S21I, S22I.
Identifiers: ClinVar variation 5036177 (VCV005036177.1).

ClinVar aggregate classification (germline): Uncertain significance (1 of 4 stars; one submission).

Conditions:
Inborn genetic diseases. Identifiers: MedGen C0950123, MeSH D030342.

gnomAD v4.1: 4 of 1,613,728 alleles (0.00025%); highest among the groups gnomAD compares: Non-Finnish European, 0.00034%; no homozygotes.

Submission:

Ambry Genetics
Classification: Uncertain significance for Inborn genetic diseases. Last evaluated: 2026-07-06. Review status: criteria provided, single submitter. Criteria: Ambry Variant Classification Scheme 2023. Collection method: clinical testing. Allele origin: germline.
Comment: The p.S22I variant (also known as c.65G>T), located in coding exon 2 of the ETV6 gene, results from a G to T substitution at nucleotide position 65. The serine at codon 22 is replaced by isoleucine, an amino acid with dissimilar properties. This amino acid position is conserved. In addition, this alteration is predicted to be tolerated by in silico analysis. Based on the available evidence, the clinical significance of this variant remains unclear.